The following is an entry in ClinVar:

NM_139137.4(KCNC2):c.1340C>T (p.Thr447Ile)

Gene: KCNC2 (potassium voltage-gated channel subfamily C member 2; minus strand). Cytogenetic location: 12q21.1.
Variant type: single nucleotide variant.
Coding change: c.1340C>T on transcript NM_139137.4 (MANE Select); coding-DNA position 1340, C replaced by T.
Protein change: p.Thr447Ile; replaces threonine 447 with isoleucine.
Molecular consequence: missense variant. On other transcripts: non-coding transcript variant (1).
Genome position (GRCh38, 1-based): chr12:75,050,665, G>A on the plus strand (C>T on the coding strand, the complement: KCNC2 is on the minus strand). VCF-style: chr12-75050665-G-A. GRCh37 (hg19) VCF-style: chr12-75444445-G-A.
Other names: c.1340C>T, p.Thr447Ile (NM_001414199.1, NM_001414202.1, NM_001414206.1 and 13 more transcripts); short protein forms T447I.
Identifiers: ClinVar variation 4848041 (VCV004848041.1).

ClinVar aggregate classification (germline): Uncertain significance (1 of 4 stars; one submission).

Submission:

Women's Health and Genetics/Laboratory Corporation of America, LabCorp
Classification: Uncertain significance. Last evaluated: 2026-02-04. Review status: criteria provided, single submitter. Criteria: LabCorp Variant Classification Summary - May 2015. Collection method: clinical testing. Allele origin: germline.
Comment: Variant summary: KCNC2 c.1340C>T (p.Thr447Ile) results in a non-conservative amino acid change in the encoded protein sequence. Algorithms developed to predict the effect of missense changes on protein structure and function all suggest that this variant is likely to be disruptive. The variant was absent in 250300 control chromosomes. The available data on variant occurrences in the general population are insufficient to allow any conclusion about variant significance. To our knowledge, no occurrence of c.1340C>T in individuals affected with KCNC2-related conditions and no experimental evidence demonstrating its impact on protein function have been reported. No submitters have cited clinical-significance assessments for this variant to ClinVar. Based on the evidence outlined above, the variant was classified as uncertain significance.